The following is an entry in ClinVar:

NM_000330.4(RS1):c.92A>G (p.Asp31Gly)

Gene: RS1 (retinoschisin 1; minus strand). Cytogenetic location: Xp22.13.
Variant type: single nucleotide variant.
Coding change: c.92A>G on transcript NM_000330.4 (MANE Select); coding-DNA position 92, A replaced by G.
Protein change: p.Asp31Gly; replaces aspartic acid 31 with glycine.
Molecular consequence: missense variant.
Genome position (GRCh38, 1-based): chrX:18,656,745, T>C on the plus strand (A>G on the coding strand, the complement: RS1 is on the minus strand). VCF-style: chrX-18656745-T-C. GRCh37 (hg19) VCF-style: chrX-18674865-T-C.
Other names: short protein forms D31G.
Identifiers: ClinVar variation 3435683 (VCV003435683.3).

ClinVar aggregate classification (germline): Uncertain significance. Review status: criteria provided, multiple submitters, no conflicts (2 of 4 stars). 2 submissions from 2 submitters: Uncertain significance (2). Last evaluated 2024-11-08.

Conditions:
Inborn genetic diseases. Identifiers: MedGen C0950123, MeSH D030342.

Submissions (2):

Ambry Genetics
Classification: Uncertain significance for Inborn genetic diseases. Last evaluated: 2024-11-08. Review status: criteria provided, single submitter. Criteria: Ambry Variant Classification Scheme 2023. Collection method: clinical testing. Allele origin: germline.

Labcorp Genetics (formerly Invitae), Labcorp
Classification: Uncertain significance. Last evaluated: 2024-10-23. Review status: criteria provided, single submitter. Criteria: Invitae Variant Classification Sherloc (09022015). Collection method: clinical testing. Allele origin: germline.
Comment: This sequence change replaces aspartic acid, which is acidic and polar, with glycine, which is neutral and non-polar, at codon 31 of the RS1 protein (p.Asp31Gly). This variant is not present in population databases (gnomAD no frequency). This variant has not been reported in the literature in individuals affected with RS1-related conditions. Invitae Evidence Modeling of protein sequence and biophysical properties (such as structural, functional, and spatial information, amino acid conservation, physicochemical variation, residue mobility, and thermodynamic stability) indicates that this missense variant is not expected to disrupt RS1 protein function with a negative predictive value of 95%. In summary, the available evidence is currently insufficient to determine the role of this variant in disease. Therefore, it has been classified as a Variant of Uncertain Significance.